The following is an entry in ClinVar:

NM_001297595.2(SIN3B):c.2932C>T (p.Leu978=)

Gene: SIN3B (SIN3 transcription regulator family member B; plus strand). Cytogenetic location: 19p13.11.
Variant type: single nucleotide variant.
Coding change: c.2932C>T on transcript NM_001297595.2 (MANE Select); coding-DNA position 2932, C replaced by T.
Protein change: p.Leu978=; no amino-acid change (leucine 978 retained).
Molecular consequence: synonymous variant.
Genome position (GRCh38, 1-based): chr19:16,877,617, C>T. VCF-style: chr19-16877617-C-T. GRCh37 (hg19) VCF-style: chr19-16988428-C-T.
Other names: c.1702C>T, p.Leu568= (NM_001297597.2); c.3028C>T, p.Leu1010= (NM_015260.4).
Identifiers: ClinVar variation 4682025 (VCV004682025.5).
Genomic context (GRCh38, chr19:16,877,617, plus strand): 5'-TACGTGGAGCAGTATGTGGGGACCGAGGGCGCGTCCAGCTCGCCCACTGAGGGCTTCCTC[C>T]TGAAACCTGTGTTCCTGCAGAGGTAAGAGGCCCTGAGATGCATGCTCTGTTCCTTCCTTC-3'
Protein context (NP_001284524.1, residues 968-988): ASSSPTEGFL[Leu978=]KPVFLQRNLK

ClinVar aggregate classification (germline): Likely benign (1 of 4 stars; one submission).

gnomAD v4.1: 1 of 1,611,622 alleles (0.000062%); highest among the groups gnomAD compares: Admixed American, 0.0017%; no homozygotes.

Submission:

CeGaT Center for Human Genetics Tuebingen
Classification: Likely benign. Last evaluated: 2025-12-01. Review status: criteria provided, single submitter. Criteria: CeGaT Center For Human Genetics Tuebingen Variant Classification Criteria Version 2. Collection method: clinical testing. Allele origin: germline. Affected: yes. Observed: 1 variant allele.
Comment: SIN3B: BP4, BP7